The following is an entry in ClinVar:

ClinVar aggregate classification (germline): Uncertain significance (1 of 4 stars; one submission).

Allele frequency attached by ClinVar (database versions not stated): gnomAD exomes below 0.00001.
gnomAD v4.1: 1 of 1,612,260 alleles (0.000062%); highest among the groups gnomAD compares: Admixed American, 0.0017%; no homozygotes.

Submission:

Labcorp Genetics (formerly Invitae), Labcorp
Classification: Uncertain significance. Last evaluated: 2025-05-05. Review status: criteria provided, single submitter. Criteria: Invitae Variant Classification Sherloc (09022015). Collection method: clinical testing. Allele origin: germline.
Comment: This sequence change replaces phenylalanine, which is neutral and non-polar, with valine, which is neutral and non-polar, at codon 338 of the ADK protein (p.Phe338Val). This variant is not present in population databases (gnomAD no frequency). This variant has not been reported in the literature in individuals affected with ADK-related conditions. ClinVar contains an entry for this variant (Variation ID: 2986507). An algorithm developed to predict the effect of missense changes on protein structure and function (PolyPhen-2) suggests that this variant is likely to be tolerated. In summary, the available evidence is currently insufficient to determine the role of this variant in disease. Therefore, it has been classified as a Variant of Uncertain Significance.

NM_006721.4(ADK):c.1063T>G (p.Phe355Val)

Gene: ADK (adenosine kinase; plus strand). Cytogenetic location: 10q22.2.
Variant type: single nucleotide variant.
Coding change: c.1063T>G on transcript NM_006721.4 (MANE Select); coding-DNA position 1063, T replaced by G.
Protein change: p.Phe355Val; replaces phenylalanine 355 with valine.
Molecular consequence: missense variant. On other transcripts: 3 prime UTR variant (1).
Genome position (GRCh38, 1-based): chr10:74,708,419, T>G. VCF-style: chr10-74708419-T-G. GRCh37 (hg19) VCF-style: chr10-76468177-T-G.
Other names: c.1012T>G, p.Phe338Val (NM_001123.4); c.958T>G, p.Phe320Val (NM_001202449.2); c.892T>G, p.Phe298Val (NM_001202450.2); c.*63T>G (NM_001369123.1); c.841T>G, p.Phe281Val (NM_001369124.1); short protein forms F281V, F298V, F338V, F320V, F355V.
Identifiers: ClinVar variation 2986507 (VCV002986507.3), dbSNP rs2548202833, ClinGen allele CA377398515.
Genomic context (GRCh38, chr10:74,708,419, plus strand): 5'-GAATGTATCCGTGCTGGCCACTATGCAGCAAGCATCATAATTAGACGGACTGGCTGCACC[T>G]TTCCTGAGAAGCCAGACTTCCACTGATGGAAGAGCTGAAAACACAAGCCCAGGAGTGCAG-3'
Protein context (NP_006712.2, residues 345-362): SIIIRRTGCT[Phe355Val]PEKPDFH